The following is an entry in ClinVar:

NM_001164508.2(NEB):c.24276dup (p.His8093fs)

Genes: RIF1 (replication timing regulatory factor 1; plus strand), NEB (nebulin; minus strand). Cytogenetic location: 2q23.3.
Variant type: Duplication.
Coding change: c.24276dup on transcript NM_001164508.2 (MANE Select); coding-DNA position 24276, one base duplicated (A; older notation c.24276dupA).
Protein change: p.His8093fs; shifts the reading frame from histidine 8093.
Molecular consequence: frameshift variant. On other transcripts: intron variant (1).
Genome position (GRCh38, 1-based): chr2:151,497,650, T duplicated on the plus strand (A on the coding strand, the reverse complement: NEB is on the minus strand); the first of 3 consecutive T bases (chr2:151,497,650-151,497,652); duplicating any one gives the same sequence. VCF-style (leftmost placement, unchanged base first): chr2-151497649-G-GT. GRCh37 (hg19) VCF-style: chr2-152354163-G-GT.
Other names: c.24276dup, p.His8093fs (NM_001164507.2); c.24381dup, p.His8128fs (NM_001271208.2); c.18826-1282dup (NM_004543.5); c.24381dup (NM_001271208.1); short protein forms H8093fs, H8128fs.
Identifiers: ClinVar variation 4814765 (VCV004814765.1).

ClinVar aggregate classification (germline): Likely pathogenic (1 of 4 stars; one submission).

Conditions:
Nemaline myopathy 2 (NEM2). Also called: Nemaline myopathy 2, autosomal recessive. Identifiers: MedGen C1850569, MONDO:0009725, OMIM 256030.

Submission:

Natera, Inc.
Classification: Likely pathogenic for Nemaline myopathy type 2. Last evaluated: 2025-11-21. Review status: criteria provided, single submitter. Criteria: Natera Variant Classification Schema (03/2026). Collection method: clinical testing. Allele origin: germline.
Comment: The c.24381dup variant in NEB is a frameshift variant predicted to shift the reading frame beginning at codon 8128 and leads to a stop codon 7 codons downstream. This variant is expected to result in nonsense mediated decay, truncation, or a dysfunctional protein product. This variant is rare in the general population with a frequency below the threshold expected for the associated phenotype(s). Given the available evidence, this variant is classified as Likely Pathogenic.